The following is an entry in ClinVar:

ClinVar aggregate classification (germline): Benign/Likely benign. Review status: criteria provided, multiple submitters, no conflicts (2 of 4 stars). 3 submissions from 3 submitters: Benign (1); Likely benign (1). 1 of the submissions does not count toward it. Last evaluated 2026-08-01.

Conditions:
WDFY3-related disorder.
Microcephaly 18, primary, autosomal dominant (MCPH18). Identifiers: MedGen C4479608, MONDO:0054593, OMIM 617520.

Allele frequency attached by ClinVar (database versions not stated): 1000 Genomes Project 0.00220; 1000 Genomes Project 30x 0.00234; ExAC 0.00718; gnomAD exomes 0.00738 and 0.01106; gnomAD 0.00745 and 0.00766; TOPMed 0.00805; ESP Exome Variant Server 0.01130.
gnomAD v4.1: 17,218 of 1,614,098 alleles (1.1%); highest among the groups gnomAD compares: Middle Eastern, 1.3%; 119 homozygotes.

Submissions (3):

CeGaT Center for Human Genetics Tuebingen
Classification: Benign. Last evaluated: 2026-08-01. Review status: criteria provided, single submitter. Criteria: CeGaT Center For Human Genetics Tuebingen Variant Classification Criteria Version 2. Collection method: clinical testing. Allele origin: germline. Affected: yes. Observed: 22 variant alleles.
Comment: WDFY3: BS1, BS2

Fulgent Genetics
Classification: Likely benign for Microcephaly 18, primary, autosomal dominant. Last evaluated: 2022-01-14. Review status: criteria provided, single submitter. Criteria: ACMG Guidelines, 2015. Collection method: clinical testing. Allele origin: unknown.

PreventionGenetics, part of Exact Sciences
Classification: Benign for WDFY3-related condition. Last evaluated: 2021-03-03. Review status: no assertion criteria provided. Collection method: clinical testing. Allele origin: germline. Not counted in ClinVar's aggregate classification.
Comment: This variant is classified as benign based on ACMG/AMP sequence variant interpretation guidelines (Richards et al. 2015 PMID: 25741868, with internal and published modifications).

NM_014991.6(WDFY3):c.9094A>G (p.Ile3032Val)

Genes: WDFY3 (WD repeat and FYVE domain containing 3; minus strand), LOC126807101 (CDK7 strongly-dependent group 2 enhancer GRCh37_chr4:85612241-85613440; plus strand). Cytogenetic location: 4q21.23.
Variant type: single nucleotide variant.
Coding change: c.9094A>G on transcript NM_014991.6 (MANE Select); coding-DNA position 9094, A replaced by G.
Protein change: p.Ile3032Val; replaces isoleucine 3032 with valine.
Molecular consequence: missense variant.
Genome position (GRCh38, 1-based): chr4:84,691,741, T>C on the plus strand (A>G on the coding strand, the complement: WDFY3 is on the minus strand). VCF-style: chr4-84691741-T-C. GRCh37 (hg19) VCF-style: chr4-85612894-T-C.
Other names: c.9094A>G (NM_014991.4); short protein forms I3032V.
Identifiers: ClinVar variation 1695096 (VCV001695096.33), dbSNP rs17368018, ClinGen allele CA2992259.